The following is an entry in ClinVar:

ClinVar aggregate classification (germline): Uncertain significance (1 of 4 stars; one submission).

Allele frequency attached by ClinVar (database versions not stated): gnomAD 0.00001.
gnomAD v4.1: 1 of 1,606,412 alleles (0.000062%); highest among the groups gnomAD compares: African/African-American, 0.0013%; no homozygotes.

Submission:

Greenwood Genetic Center Diagnostic Laboratories, Greenwood Genetic Center
Classification: Uncertain significance. Last evaluated: 2023-11-13. Review status: criteria provided, single submitter. Criteria: ACMG Guidelines, 2015. Collection method: clinical testing. Allele origin: germline. Affected: yes.
Comment: Gene of Uncertain Significance

NM_014859.6(ARHGAP44):c.1780G>A (p.Glu594Lys)

Gene: ARHGAP44 (Rho GTPase activating protein 44; plus strand). Cytogenetic location: 17p12.
Variant type: single nucleotide variant.
Coding change: c.1780G>A on transcript NM_014859.6 (MANE Select); coding-DNA position 1780, G replaced by A.
Protein change: p.Glu594Lys; replaces glutamic acid 594 with lysine.
Molecular consequence: missense variant.
Genome position (GRCh38, 1-based): chr17:12,980,074, G>A. VCF-style: chr17-12980074-G-A. GRCh37 (hg19) VCF-style: chr17-12883391-G-A.
Other names: c.1762G>A, p.Glu588Lys (NM_001321164.2, NM_001321166.2); c.1780G>A, p.Glu594Lys (NM_001321167.2); c.1162G>A, p.Glu388Lys (NM_001321168.2); short protein forms E594K, E388K, E588K.
Identifiers: ClinVar variation 2692460 (VCV002692460.1), dbSNP rs1598157121, ClinGen allele CA398220554.